The following is an entry in ClinVar:

NM_022367.4(SEMA4A):c.1292A>G (p.His431Arg)

Gene: SEMA4A (semaphorin 4A; plus strand). Cytogenetic location: 1q22.
Variant type: single nucleotide variant.
Coding change: c.1292A>G on transcript NM_022367.4 (MANE Select); coding-DNA position 1292, A replaced by G.
Protein change: p.His431Arg; replaces histidine 431 with arginine.
Molecular consequence: missense variant.
Genome position (GRCh38, 1-based): chr1:156,172,983, A>G. VCF-style: chr1-156172983-A-G. GRCh37 (hg19) VCF-style: chr1-156142774-A-G.
Other names: c.1292A>G, p.His431Arg (NM_001193300.2, NM_001193301.2, NM_001370567.1); c.896A>G, p.His299Arg (NM_001193302.2); c.995A>G, p.His332Arg (NM_001370568.1); c.785A>G, p.His262Arg (NM_001370569.1, NM_001370571.1); short protein forms H332R, H431R, H262R, H299R.
Identifiers: ClinVar variation 2872052 (VCV002872052.3), dbSNP rs1654949950, ClinGen allele CA342807752.

ClinVar aggregate classification (germline): Uncertain significance (1 of 4 stars; one submission).

Allele frequency attached by ClinVar (database versions not stated): TOPMed below 0.00001; gnomAD 0.00001; gnomAD exomes 0.00002.
gnomAD v4.1: 26 of 1,613,984 alleles (0.0016%); highest among the groups gnomAD compares: Non-Finnish European, 0.0022%; no homozygotes.

Submission:

Labcorp Genetics (formerly Invitae), Labcorp
Classification: Uncertain significance. Last evaluated: 2025-03-17. Review status: criteria provided, single submitter. Criteria: Invitae Variant Classification Sherloc (09022015). Collection method: clinical testing. Allele origin: germline.
Comment: This sequence change replaces histidine, which is basic and polar, with arginine, which is basic and polar, at codon 431 of the SEMA4A protein (p.His431Arg). This variant is not present in population databases (gnomAD no frequency). This variant has not been reported in the literature in individuals affected with SEMA4A-related conditions. ClinVar contains an entry for this variant (Variation ID: 2872052). Invitae Evidence Modeling of protein sequence and biophysical properties (such as structural, functional, and spatial information, amino acid conservation, physicochemical variation, residue mobility, and thermodynamic stability) indicates that this missense variant is not expected to disrupt SEMA4A protein function with a negative predictive value of 80%. In summary, the available evidence is currently insufficient to determine the role of this variant in disease. Therefore, it has been classified as a Variant of Uncertain Significance.